The following is an entry in ClinVar:

ClinVar aggregate classification (germline): Uncertain significance (1 of 4 stars; one submission).

Submission:

GeneDx
Classification: Uncertain significance. Last evaluated: 2025-01-07. Review status: criteria provided, single submitter. Criteria: GeneDx Variant Classification Process June 2021. Collection method: clinical testing. Allele origin: germline. Affected: yes.
Comment: Not observed at significant frequency in large population cohorts (gnomAD); In silico analysis indicates that this missense variant does not alter protein structure/function; Has not been previously published as pathogenic or benign to our knowledge

NM_015557.3(CHD5):c.3784A>G (p.Ile1262Val)

Gene: CHD5 (chromodomain helicase DNA binding protein 5; minus strand). Cytogenetic location: 1p36.31.
Variant type: single nucleotide variant.
Coding change: c.3784A>G on transcript NM_015557.3 (MANE Select); coding-DNA position 3784, A replaced by G.
Protein change: p.Ile1262Val; replaces isoleucine 1262 with valine.
Molecular consequence: missense variant.
Genome position (GRCh38, 1-based): chr1:6,128,165, T>C on the plus strand (A>G on the coding strand, the complement: CHD5 is on the minus strand). VCF-style: chr1-6128165-T-C. GRCh37 (hg19) VCF-style: chr1-6188225-T-C.
Other names: short protein forms I1262V.
Identifiers: ClinVar variation 4057033 (VCV004057033.1).